The following is an entry in ClinVar:

ClinVar aggregate classification (germline): Uncertain significance (1 of 4 stars; one submission).

Conditions:
Steel syndrome (STLS). Identifiers: Orphanet 438117, MedGen C3554594, MONDO:0014061, OMIM 615155.

Submission:

Baylor Genetics
Classification: Uncertain significance for Steel syndrome. Last evaluated: 2019-07-03. Review status: criteria provided, single submitter. Criteria: ACMG Guidelines, 2015. Collection method: clinical testing. Allele origin: unknown. Affected: yes.
Comment: This variant was determined to be of uncertain significance according to ACMG Guidelines, 2015 [PMID:25741868].

NM_032888.4(COL27A1):c.62+4A>G

Gene: COL27A1 (collagen type XXVII alpha 1 chain; plus strand). Cytogenetic location: 9q32.
Variant type: single nucleotide variant.
Coding change: c.62+4A>G on transcript NM_032888.4 (MANE Select); 4 bases into the intron after coding-DNA position 62, A replaced by G.
Molecular consequence: intron variant.
Genome position (GRCh38, 1-based): chr9:114,156,016, A>G. VCF-style: chr9-114156016-A-G. GRCh37 (hg19) VCF-style: chr9-116918296-A-G.
Identifiers: ClinVar variation 1031007 (VCV001031007.1), dbSNP rs1848097795, ClinGen allele CA1873711291.
Genomic context (GRCh38, chr9:114,156,016, plus strand): 5'-AGCGGGATCGGCGCGGGGGGCCCGAGGCACAGCGGCGGCGGCGGCGGCGCGCGGGGGGTG[A>G]GTACGAACTCGGGGACGCCCCCTCCCTAGCTTCCTGCTGCTCCAATCTCGGGGAGGGCCG-3'